The following is an entry in ClinVar:

ClinVar aggregate classification (germline): Uncertain significance (1 of 4 stars; one submission).

Conditions:
Autosomal dominant polycystic kidney disease. Identifiers: Orphanet 730, MedGen C0085413, MONDO:0004691.

Submission:

Labcorp Genetics (formerly Invitae), Labcorp
Classification: Uncertain significance for Autosomal dominant polycystic kidney disease. Last evaluated: 2024-11-30. Review status: criteria provided, single submitter. Criteria: Invitae Variant Classification Sherloc (09022015). Collection method: clinical testing. Allele origin: germline.
Comment: This sequence change falls in intron 7 of the PKD2 gene. It does not directly change the encoded amino acid sequence of the PKD2 protein. This variant is not present in population databases (gnomAD no frequency). This variant has not been reported in the literature in individuals affected with PKD2-related conditions. Algorithms developed to predict the effect of sequence changes on RNA splicing suggest that this variant may create or strengthen a splice site. In summary, the available evidence is currently insufficient to determine the role of this variant in disease. Therefore, it has been classified as a Variant of Uncertain Significance.

NM_000297.4(PKD2):c.1717-6_1717-3del

Gene: PKD2 (polycystin 2, transient receptor potential cation channel; plus strand). Cytogenetic location: 4q22.1.
Variant type: Deletion.
Coding change: c.1717-6_1717-3del on transcript NM_000297.4 (MANE Select); 6 bases into the intron before coding-DNA position 1717 through 3 bases into the intron before coding-DNA position 1717, 4 bases deleted (TTAC; older notation c.1717-6_1717-3delTTAC).
Molecular consequence: intron variant.
Genome position (GRCh38, 1-based): chr4:88,056,080-88,056,083, TTAC deleted; deleting any 4 consecutive bases within chr4:88,056,079-88,056,083 gives the same sequence; the c. name uses the placement nearest the transcript's 3' end. VCF-style (leftmost placement, unchanged base first): chr4-88056078-TCTTA-T. GRCh37 (hg19) VCF-style: chr4-88977230-TCTTA-T.
Identifiers: ClinVar variation 3625787 (VCV003625787.2).